The following is an entry in ClinVar:

NM_001267550.2(TTN):c.92962A>T (p.Arg30988Ter)

Genes: TTN-AS1 (TTN antisense RNA 1; plus strand), TTN (titin; minus strand). Cytogenetic location: 2q31.2.
Variant type: single nucleotide variant.
Coding change: c.92962A>T on transcript NM_001267550.2 (MANE Select); coding-DNA position 92962, A replaced by T.
Protein change: p.Arg30988Ter; replaces arginine 30988 with a stop codon.
Molecular consequence: nonsense.
Genome position (GRCh38, 1-based): chr2:178,548,664, T>A on the plus strand (A>T on the coding strand, the complement: TTN is on the minus strand). VCF-style: chr2-178548664-T-A. GRCh37 (hg19) VCF-style: chr2-179413391-T-A.
Other names: c.88039A>T, p.Arg29347Ter (NM_001256850.1); c.65767A>T, p.Arg21923Ter (NM_003319.4); c.85258A>T, p.Arg28420Ter (NM_133378.4); c.66142A>T, p.Arg22048Ter (NM_133432.3); c.66343A>T, p.Arg22115Ter (NM_133437.4); short protein forms R22115*, R21923*, R22048*, R28420*, R30988*, R29347*.
Identifiers: ClinVar variation 945546 (VCV000945546.1), dbSNP rs1698169393, ClinGen allele CA349489114.

ClinVar aggregate classification (germline): Likely pathogenic (1 of 4 stars; one submission).

Conditions:
Dilated cardiomyopathy 1G (CMD1G). Identifiers: Orphanet 154, MedGen C1858763, MONDO:0011400, OMIM 604145.
Autosomal recessive limb-girdle muscular dystrophy type 2J (LGMDR10). Also called: MUSCULAR DYSTROPHY, LIMB-GIRDLE, AUTOSOMAL RECESSIVE 10; Limb-girdle muscular dystrophy, type 2J. Identifiers: Orphanet 140922, MedGen C1837342, MONDO:0012127, OMIM 608807.

Submission:

Labcorp Genetics (formerly Invitae), Labcorp
Classification: Likely pathogenic for Dilated cardiomyopathy 1G; Limb-girdle muscular dystrophy, type 2J. Last evaluated: 2019-05-24. Review status: criteria provided, single submitter. Criteria: Invitae Variant Classification Sherloc (09022015). Collection method: clinical testing. Allele origin: germline.
Comment: This sequence change results in a premature translational stop signal in the TTN gene (p.Arg30988*). While this is not anticipated to result in nonsense mediated decay, it is expected to create a truncated TTN protein. This variant is not present in population databases (ExAC no frequency). This variant has not been reported in the literature in individuals with TTN-related conditions. This variant is located in the A band of TTN (PMID: 25589632). Truncating variants in this region are significantly overrepresented in patients affected with dilated cardiomyopathy (PMID: 25589632). Truncating variants in this region have also been reported in individuals affected with autosomal recessive centronuclear myopathy (PMID: 23975875). In summary, the currently available evidence indicates that the variant is pathogenic, but additional data are needed to prove that conclusively. Therefore, this variant has been classified as Likely Pathogenic.

Literature cited by the submitters: PubMed 23975875; PubMed 25589632.